The following is an entry in ClinVar:

NM_001363711.2(DUOX2):c.1302A>G (p.Arg434=)

Gene: DUOX2 (dual oxidase 2; minus strand). Cytogenetic location: 15q21.1.
Variant type: single nucleotide variant.
Coding change: c.1302A>G on transcript NM_001363711.2 (MANE Select); coding-DNA position 1302, A replaced by G.
Protein change: p.Arg434=; no amino-acid change (arginine 434 retained).
Molecular consequence: synonymous variant.
Genome position (GRCh38, 1-based): chr15:45,108,885, T>C on the plus strand (A>G on the coding strand, the complement: DUOX2 is on the minus strand). VCF-style: chr15-45108885-T-C. GRCh37 (hg19) VCF-style: chr15-45401083-T-C.
Other names: c.1302A>G, p.Arg434= (NM_014080.5).
Identifiers: ClinVar variation 316177 (VCV000316177.19), dbSNP rs78412174, ClinGen allele CA7538663.

ClinVar aggregate classification (germline): Benign/Likely benign. Review status: criteria provided, multiple submitters, no conflicts (2 of 4 stars). 5 submissions from 5 submitters: Benign (3); Likely benign (2). Last evaluated 2026-05-11.

Conditions:
Thyroid dyshormonogenesis 6 (TDH6). Also called: Genetic transient congenital hypothyroidism; HYPOTHYROIDISM, CONGENITAL, DUE TO DYSHORMONOGENESIS, 6; THYROID HORMONOGENESIS, GENETIC DEFECT IN, 6. Identifiers: Orphanet 226316, Orphanet 95716, MedGen C1846632, MONDO:0011792, OMIM 607200.

Allele frequency attached by ClinVar (database versions not stated): 1000 Genomes Project 30x 0.02655; gnomAD exomes 0.00696 and 0.00255; ExAC 0.00877; gnomAD 0.02823 and 0.03060; TOPMed 0.03208; 1000 Genomes Project 0.02636; ESP Exome Variant Server 0.03194.
gnomAD v4.1: 8,133 of 1,614,144 alleles (0.5%); highest among the groups gnomAD compares: African/African-American, 9.9%; 370 homozygotes.

Submissions (5):

Women's Health and Genetics/Laboratory Corporation of America, LabCorp
Classification: Benign. Last evaluated: 2026-05-11. Review status: criteria provided, single submitter. Criteria: LabCorp Variant Classification Summary - May 2015. Collection method: clinical testing. Allele origin: germline.

Labcorp Genetics (formerly Invitae), Labcorp
Classification: Benign. Last evaluated: 2026-02-02. Review status: criteria provided, single submitter. Criteria: Invitae Variant Classification Sherloc (09022015). Collection method: clinical testing. Allele origin: germline.

GeneDx
Classification: Benign. Last evaluated: 2018-07-09. Review status: criteria provided, single submitter. Criteria: GeneDx Variant Classification Process June 2021. Collection method: clinical testing. Allele origin: germline. Affected: yes.

Illumina Laboratory Services, Illumina
Classification: Likely benign for Thyroid dyshormonogenesis 6. Last evaluated: 2017-04-27. Review status: criteria provided, single submitter. Criteria: ICSL Variant Classification Criteria 13 December 2019. Collection method: clinical testing. Allele origin: germline.
Comment: This variant was observed as part of a predisposition screen in an ostensibly healthy population. A literature search was performed for the gene, cDNA change, and amino acid change (where applicable). No publications were found based on this search. Allele frequency data from public databases allowed determination this variant is unlikely to cause disease. Therefore, this variant is classified as likely benign.

Breakthrough Genomics
Classification: Likely benign. Review status: criteria provided, single submitter. Criteria: ACMG Guidelines, 2015. Collection method: not provided. Allele origin: germline. Inheritance: Autosomal recessive inheritance. Affected: yes.